The following is an entry in ClinVar:

ClinVar aggregate classification (germline): Likely pathogenic (0 of 4 stars; one submission).

Conditions:
LTBP3-related disorder. Also called: LTBP3-related condition.

Submission:

PreventionGenetics, part of Exact Sciences
Classification: Likely pathogenic for LTBP3-related condition. Last evaluated: 2024-05-30. Review status: no assertion criteria provided. Collection method: clinical testing. Allele origin: germline.
Comment: The LTBP3 c.2188delT variant is predicted to result in a frameshift and premature protein termination (p.Cys730Valfs*16). To our knowledge, this variant has not been reported in the literature. This variant is reported in 0.023% of alleles in individuals of African descent in gnomAD. Frameshift variants in LTBP3 are expected to be pathogenic. This variant is interpreted as likely pathogenic.

NM_001130144.3(LTBP3):c.2188del (p.Cys730fs)

Genes: LTBP3 (latent transforming growth factor beta binding protein 3; minus strand), LOC130006030 (ATAC-STARR-seq lymphoblastoid silent region 3533; plus strand). Cytogenetic location: 11q13.1.
Variant type: Deletion.
Coding change: c.2188del on transcript NM_001130144.3 (MANE Select); coding-DNA position 2188, one base deleted (T; older notation c.2188delT).
Protein change: p.Cys730fs; shifts the reading frame from cysteine 730.
Molecular consequence: frameshift variant.
Genome position (GRCh38, 1-based): chr11:65,546,840, A deleted on the plus strand (T on the coding strand, the reverse complement: LTBP3 is on the minus strand). VCF-style (leftmost placement, unchanged base first): chr11-65546839-CA-C. GRCh37 (hg19) VCF-style: chr11-65314310-CA-C.
Other names: c.1837del, p.Cys613fs (NM_001164266.1); c.2188del, p.Cys730fs (NM_021070.4); short protein forms C613fs, C730fs.
Identifiers: ClinVar variation 3354282 (VCV003354282.1).